The following is an entry in ClinVar:

NM_133259.4(LRPPRC):c.3260T>G (p.Met1087Arg)

Gene: LRPPRC (leucine rich pentatricopeptide repeat containing; minus strand). Cytogenetic location: 2p21.
Variant type: single nucleotide variant.
Coding change: c.3260T>G on transcript NM_133259.4 (MANE Select); coding-DNA position 3260, T replaced by G.
Protein change: p.Met1087Arg; replaces methionine 1087 with arginine.
Molecular consequence: missense variant.
Genome position (GRCh38, 1-based): chr2:43,912,447, A>C on the plus strand (T>G on the coding strand, the complement: LRPPRC is on the minus strand). VCF-style: chr2-43912447-A-C. GRCh37 (hg19) VCF-style: chr2-44139586-A-C.
Other names: short protein forms M1087R.
Identifiers: ClinVar variation 1363942 (VCV001363942.5), dbSNP rs1161542574, ClinGen allele CA346667087.

ClinVar aggregate classification (germline): Uncertain significance (1 of 4 stars; one submission).

Submission:

Labcorp Genetics (formerly Invitae), Labcorp
Classification: Uncertain significance. Last evaluated: 2022-02-20. Review status: criteria provided, single submitter. Criteria: Invitae Variant Classification Sherloc (09022015). Collection method: clinical testing. Allele origin: germline.
Comment: This sequence change replaces methionine, which is neutral and non-polar, with arginine, which is basic and polar, at codon 1087 of the LRPPRC protein (p.Met1087Arg). This variant is not present in population databases (gnomAD no frequency). This variant has not been reported in the literature in individuals affected with LRPPRC-related conditions. Algorithms developed to predict the effect of missense changes on protein structure and function (SIFT, PolyPhen-2, Align-GVGD) all suggest that this variant is likely to be tolerated. In summary, the available evidence is currently insufficient to determine the role of this variant in disease. Therefore, it has been classified as a Variant of Uncertain Significance.